The following is an entry in ClinVar:

NM_001943.5(DSG2):c.505G>A (p.Glu169Lys)

Gene: DSG2 (desmoglein 2; plus strand). Cytogenetic location: 18q12.1.
Variant type: single nucleotide variant.
Coding change: c.505G>A on transcript NM_001943.5 (MANE Select); coding-DNA position 505, G replaced by A.
Protein change: p.Glu169Lys; replaces glutamic acid 169 with lysine.
Molecular consequence: missense variant.
Genome position (GRCh38, 1-based): chr18:31,521,225, G>A. VCF-style: chr18-31521225-G-A. GRCh37 (hg19) VCF-style: chr18-29101188-G-A.
Other names: short protein forms E169K.
Identifiers: ClinVar variation 1721999 (VCV001721999.5), dbSNP rs2510911170, ClinGen allele CA402132451.

ClinVar aggregate classification (germline): Uncertain significance (1 of 4 stars; one submission).

Conditions:
Arrhythmogenic right ventricular dysplasia 10. Also called: Arrhythmogenic right ventricular dysplasia/cardiomyopathy, type 10; ARRHYTHMOGENIC RIGHT VENTRICULAR DYSPLASIA, FAMILIAL, 10; Arrhythmogenic Right Ventricular Dysplasia/Cardiomyopathy10. Identifiers: MedGen C1857777, MONDO:0012434, OMIM 610193.

Submission:

Labcorp Genetics (formerly Invitae), Labcorp
Classification: Uncertain significance for Arrhythmogenic right ventricular dysplasia 10. Last evaluated: 2024-10-18. Review status: criteria provided, single submitter. Criteria: Invitae Variant Classification Sherloc (09022015). Collection method: clinical testing. Allele origin: germline.
Comment: This sequence change replaces glutamic acid, which is acidic and polar, with lysine, which is basic and polar, at codon 169 of the DSG2 protein (p.Glu169Lys). This variant is not present in population databases (gnomAD no frequency). This variant has not been reported in the literature in individuals affected with DSG2-related conditions. ClinVar contains an entry for this variant (Variation ID: 1721999). Invitae Evidence Modeling of protein sequence and biophysical properties (such as structural, functional, and spatial information, amino acid conservation, physicochemical variation, residue mobility, and thermodynamic stability) indicates that this missense variant is not expected to disrupt DSG2 protein function with a negative predictive value of 95%. In summary, the available evidence is currently insufficient to determine the role of this variant in disease. Therefore, it has been classified as a Variant of Uncertain Significance.